The following is an entry in ClinVar:

ClinVar aggregate classification (germline): Uncertain significance (1 of 4 stars; one submission).

Conditions:
Melanoma, cutaneous malignant, susceptibility to, 5. Also called: Cutaneous malignant melanoma 5. Identifiers: Orphanet 618, MedGen C2751295, MONDO:0013133, OMIM 613099.

gnomAD v4.1: 1 of 1,613,862 alleles (0.000062%); highest among the groups gnomAD compares: Non-Finnish European, 0.000085%; no homozygotes.

Submission:

Labcorp Genetics (formerly Invitae), Labcorp
Classification: Uncertain significance for Melanoma, cutaneous malignant, susceptibility to, 5. Last evaluated: 2023-03-22. Review status: criteria provided, single submitter. Criteria: Invitae Variant Classification Sherloc (09022015). Collection method: clinical testing. Allele origin: germline.
Comment: This variant has not been reported in the literature in individuals affected with MC1R-related conditions. This variant is not present in population databases (gnomAD no frequency). This sequence change replaces leucine, which is neutral and non-polar, with valine, which is neutral and non-polar, at codon 263 of the MC1R protein (p.Leu263Val). Advanced modeling of protein sequence and biophysical properties (such as structural, functional, and spatial information, amino acid conservation, physicochemical variation, residue mobility, and thermodynamic stability) performed at Invitae indicates that this missense variant is not expected to disrupt MC1R protein function. In summary, the available evidence is currently insufficient to determine the role of this variant in disease. Therefore, it has been classified as a Variant of Uncertain Significance.

NM_002386.4(MC1R):c.787C>G (p.Leu263Val)

Gene: MC1R (melanocortin 1 receptor; plus strand). Cytogenetic location: 16q24.3.
Variant type: single nucleotide variant.
Coding change: c.787C>G on transcript NM_002386.4 (MANE Select); coding-DNA position 787, C replaced by G.
Protein change: p.Leu263Val; replaces leucine 263 with valine.
Molecular consequence: missense variant.
Genome position (GRCh38, 1-based): chr16:89,920,045, C>G. VCF-style: chr16-89920045-C-G. GRCh37 (hg19) VCF-style: chr16-89986453-C-G.
Other names: short protein forms L263V.
Identifiers: ClinVar variation 2966638 (VCV002966638.3), dbSNP rs370073863, ClinGen allele CA397463275.